The following is an entry in ClinVar:

ClinVar aggregate classification (germline): Uncertain significance. Review status: criteria provided, multiple submitters, no conflicts (2 of 4 stars). 2 submissions from 2 submitters: Uncertain significance (2). Last evaluated 2025-01-04.

Conditions:
Inborn genetic diseases. Identifiers: MedGen C0950123, MeSH D030342.

gnomAD v4.1: 1 of 1,612,326 alleles (0.000062%); highest among the groups gnomAD compares: African/African-American, 0.0013%; no homozygotes.

Submissions (2):

Ambry Genetics
Classification: Uncertain significance for Inborn genetic diseases. Last evaluated: 2025-01-04. Review status: criteria provided, single submitter. Criteria: Ambry Variant Classification Scheme 2023. Collection method: clinical testing. Allele origin: germline.

GeneDx
Classification: Uncertain significance. Last evaluated: 2024-04-08. Review status: criteria provided, single submitter. Criteria: GeneDx Variant Classification Process June 2021. Collection method: clinical testing. Allele origin: germline. Affected: yes.
Comment: Not observed at significant frequency in large population cohorts (gnomAD); In silico analysis indicates that this missense variant does not alter protein structure/function; Has not been previously published as pathogenic or benign to our knowledge

NM_015021.3(ZNF292):c.4505C>G (p.Thr1502Arg)

Gene: ZNF292 (zinc finger protein 292; plus strand). Cytogenetic location: 6q14.3.
Variant type: single nucleotide variant.
Coding change: c.4505C>G on transcript NM_015021.3 (MANE Select); coding-DNA position 4505, C replaced by G.
Protein change: p.Thr1502Arg; replaces threonine 1502 with arginine.
Molecular consequence: missense variant.
Genome position (GRCh38, 1-based): chr6:87,258,134, C>G. VCF-style: chr6-87258134-C-G. GRCh37 (hg19) VCF-style: chr6-87967852-C-G.
Other names: c.4085C>G, p.Thr1362Arg (NM_001351444.2); short protein forms T1362R, T1502R.
Identifiers: ClinVar variation 3372097 (VCV003372097.2).